The following is an entry in ClinVar:

NM_020987.5(ANK3):c.5519C>T (p.Pro1840Leu)

Gene: ANK3 (ankyrin 3; minus strand). Cytogenetic location: 10q21.2.
Variant type: single nucleotide variant.
Coding change: c.5519C>T on transcript NM_020987.5 (MANE Select); coding-DNA position 5519, C replaced by T.
Protein change: p.Pro1840Leu; replaces proline 1840 with leucine.
Molecular consequence: missense variant. On other transcripts: intron variant (4).
Genome position (GRCh38, 1-based): chr10:60,075,362, G>A on the plus strand (C>T on the coding strand, the complement: ANK3 is on the minus strand). VCF-style: chr10-60075362-G-A. GRCh37 (hg19) VCF-style: chr10-61835120-G-A.
Other names: c.4387+5175C>T (NM_001204403.2); c.4408+5175C>T (NM_001204404.2); c.4405+5175C>T (NM_001320874.2); c.1807+5175C>T (NM_001149.4); short protein forms P1840L.
Identifiers: ClinVar variation 1487421 (VCV001487421.15), dbSNP rs770723563, ClinGen allele CA5512000.

ClinVar aggregate classification (germline): Uncertain significance. Review status: criteria provided, multiple submitters, no conflicts (2 of 4 stars). 2 submissions from 2 submitters: Uncertain significance (2). Last evaluated 2025-03-01.

Allele frequency attached by ClinVar (database versions not stated): gnomAD exomes below 0.00001; ExAC 0.00001; TOPMed 0.00001.
gnomAD v4.1: 2 of 1,614,088 alleles (0.00012%); highest among the groups gnomAD compares: Non-Finnish European, 0.00017%; no homozygotes.

Submissions (2):

CeGaT Center for Human Genetics Tuebingen
Classification: Uncertain significance. Last evaluated: 2025-03-01. Review status: criteria provided, single submitter. Criteria: CeGaT Center For Human Genetics Tuebingen Variant Classification Criteria Version 2. Collection method: clinical testing. Allele origin: germline. Affected: yes. Observed: 1 variant allele.
Comment: ANK3: PM2

Labcorp Genetics (formerly Invitae), Labcorp
Classification: Uncertain significance. Last evaluated: 2024-02-24. Review status: criteria provided, single submitter. Criteria: Invitae Variant Classification Sherloc (09022015). Collection method: clinical testing. Allele origin: germline.
Comment: This sequence change replaces proline, which is neutral and non-polar, with leucine, which is neutral and non-polar, at codon 1840 of the ANK3 protein (p.Pro1840Leu). This variant is present in population databases (rs770723563, gnomAD 0.0009%). This variant has not been reported in the literature in individuals affected with ANK3-related conditions. ClinVar contains an entry for this variant (Variation ID: 1487421). Advanced modeling of protein sequence and biophysical properties (such as structural, functional, and spatial information, amino acid conservation, physicochemical variation, residue mobility, and thermodynamic stability) performed at Invitae indicates that this missense variant is expected to disrupt ANK3 protein function with a positive predictive value of 80%. In summary, the available evidence is currently insufficient to determine the role of this variant in disease. Therefore, it has been classified as a Variant of Uncertain Significance.